The following is an entry in ClinVar:

NM_001010874.5(TECRL):c.410T>C (p.Leu137Pro)

Gene: TECRL (trans-2,3-enoyl-CoA reductase like; minus strand). Cytogenetic location: 4q13.1.
Variant type: single nucleotide variant.
Coding change: c.410T>C on transcript NM_001010874.5 (MANE Select); coding-DNA position 410, T replaced by C.
Protein change: p.Leu137Pro; replaces leucine 137 with proline.
Molecular consequence: missense variant.
Genome position (GRCh38, 1-based): chr4:64,322,714, A>G on the plus strand (T>C on the coding strand, the complement: TECRL is on the minus strand). VCF-style: chr4-64322714-A-G. GRCh37 (hg19) VCF-style: chr4-65188432-A-G.
Other names: c.410T>C, p.Leu137Pro (NM_001363796.1); short protein forms L137P.
Identifiers: ClinVar variation 2626085 (VCV002626085.2), dbSNP rs2476140103, ClinGen allele CA357144741.

ClinVar aggregate classification (germline): Uncertain significance (1 of 4 stars; one submission).

Conditions:
Cardiovascular phenotype. Identifiers: MedGen CN230736.

Submission:

Ambry Genetics
Classification: Uncertain significance for Cardiovascular phenotype. Last evaluated: 2023-09-05. Review status: criteria provided, single submitter. Criteria: Ambry Variant Classification Scheme 2023. Collection method: clinical testing. Allele origin: germline.
Comment: The p.L137P variant (also known as c.410T>C), located in coding exon 4 of the TECRL gene, results from a T to C substitution at nucleotide position 410. The leucine at codon 137 is replaced by proline, an amino acid with similar properties. This amino acid position is highly conserved in available vertebrate species. In addition, this alteration is predicted to be deleterious by in silico analysis. Since supporting evidence is limited at this time, the clinical significance of this alteration remains unclear.